The following is an entry in ClinVar:

ClinVar aggregate classification (germline): Likely benign. Review status: criteria provided, multiple submitters, no conflicts (2 of 4 stars). 4 submissions from 4 submitters: Likely benign (4). Last evaluated 2026-01-05.

Conditions:
Hereditary cancer-predisposing syndrome. Also called: Tumor predisposition; Hereditary Cancer Syndrome; Neoplastic Syndromes, Hereditary; Hereditary neoplastic syndrome. Identifiers: Orphanet 140162, MedGen C0027672, MeSH D009386, MONDO:0015356.
Fanconi anemia complementation group J. Also called: BRIP1-Related Fanconi Anemia. Identifiers: Orphanet 84, MedGen C1836860, MONDO:0012187, OMIM 609054.
Familial cancer of breast. Also called: hereditary breast carcinoma; Hereditary breast cancer; BREAST CANCER, FAMILIAL. Identifiers: Orphanet 227535, MedGen C0346153, MONDO:0016419, OMIM 114480. Disease mechanism: loss of function.

Allele frequency attached by ClinVar (database versions not stated): gnomAD exomes below 0.00001; TOPMed 0.00001.
gnomAD v4.1: 2 of 1,612,084 alleles (0.00012%); highest among the groups gnomAD compares: Non-Finnish European, 0.00017%; no homozygotes.

Submissions (4):

Labcorp Genetics (formerly Invitae), Labcorp
Classification: Likely benign for Familial cancer of breast; Fanconi anemia complementation group J. Last evaluated: 2026-01-05. Review status: criteria provided, single submitter. Criteria: Invitae Variant Classification Sherloc (09022015). Collection method: clinical testing. Allele origin: germline.

Myriad Genetics, Inc.
Classification: Likely benign for Familial cancer of breast. Last evaluated: 2024-09-05. Review status: criteria provided, single submitter. Criteria: Myriad Autosomal Dominant, Autosomal Recessive and X-Linked Classification Criteria (2023). Collection method: clinical testing. Allele origin: unknown.
Comment: This variant is considered likely benign. This variant is intronic and is not expected to impact mRNA splicing.

Blueprint Genetics
Classification: Likely benign. Last evaluated: 2022-02-04. Review status: criteria provided, single submitter. Criteria: ACMG Guidelines, 2015. Collection method: clinical testing. Allele origin: germline.

Color Diagnostics, LLC DBA Color Health
Classification: Likely benign for Hereditary cancer-predisposing syndrome. Last evaluated: 2015-11-24. Review status: criteria provided, single submitter. Criteria: ACMG Guidelines, 2015. Collection method: clinical testing. Allele origin: germline.

NM_032043.3(BRIP1):c.2576-18G>A

Gene: BRIP1 (BRCA1 interacting DNA helicase 1; minus strand). Cytogenetic location: 17q23.2.
Variant type: single nucleotide variant.
Coding change: c.2576-18G>A on transcript NM_032043.3 (MANE Select); 18 bases into the intron before coding-DNA position 2576, G replaced by A.
Molecular consequence: intron variant.
Genome position (GRCh38, 1-based): chr17:61,686,183, C>T on the plus strand (G>A on the coding strand, the complement: BRIP1 is on the minus strand). VCF-style: chr17-61686183-C-T. GRCh37 (hg19) VCF-style: chr17-59763544-C-T.
Identifiers: ClinVar variation 491451 (VCV000491451.14), dbSNP rs1369955810, ClinGen allele CA658684157.